The following is an entry in ClinVar:

ClinVar aggregate classification (germline): Uncertain significance. Review status: criteria provided, multiple submitters, no conflicts (2 of 4 stars). 2 submissions from 2 submitters: Uncertain significance (2). Last evaluated 2024-08-26.

Conditions:
Hereditary cancer-predisposing syndrome. Also called: Tumor predisposition; Hereditary Cancer Syndrome; Hereditary neoplastic syndrome; Neoplastic Syndromes, Hereditary. Identifiers: Orphanet 140162, MedGen C0027672, MeSH D009386, MONDO:0015356.
Fanconi anemia (FA). Also called: Fanconi's anemia. Identifiers: Orphanet 84, MedGen C0015625, MeSH D005199, MONDO:0019391.

Allele frequency attached by ClinVar (database versions not stated): gnomAD exomes below 0.00001; ExAC 0.00001.
gnomAD v4.1: 3 of 1,611,674 alleles (0.00019%); highest among the groups gnomAD compares: East Asian, 0.0022%; no homozygotes.

Submissions (2):

Ambry Genetics
Classification: Uncertain significance for Hereditary cancer-predisposing syndrome. Last evaluated: 2024-08-26. Review status: criteria provided, single submitter. Criteria: Ambry Variant Classification Scheme 2023. Collection method: clinical testing. Allele origin: germline.
Comment: The p.D56V variant (also known as c.167A>T), located in coding exon 2 of the FANCC gene, results from an A to T substitution at nucleotide position 167. The aspartic acid at codon 56 is replaced by valine, an amino acid with highly dissimilar properties. This amino acid position is conserved. In addition, the in silico prediction for this alteration is inconclusive. Based on the available evidence, the clinical significance of this variant remains unclear.

Labcorp Genetics (formerly Invitae), Labcorp
Classification: Uncertain significance for Fanconi anemia. Last evaluated: 2021-08-05. Review status: criteria provided, single submitter. Criteria: Invitae Variant Classification Sherloc (09022015). Collection method: clinical testing. Allele origin: germline.
Comment: In summary, the available evidence is currently insufficient to determine the role of this variant in disease. Therefore, it has been classified as a Variant of Uncertain Significance. Algorithms developed to predict the effect of missense changes on protein structure and function (SIFT, PolyPhen-2, Align-GVGD) all suggest that this variant is likely to be tolerated. This variant has not been reported in the literature in individuals affected with FANCC-related conditions. This variant is present in population databases (rs759662786, ExAC 0.01%). This sequence change replaces aspartic acid with valine at codon 56 of the FANCC protein (p.Asp56Val). The aspartic acid residue is weakly conserved and there is a large physicochemical difference between aspartic acid and valine.

NM_000136.3(FANCC):c.167A>T (p.Asp56Val)

Gene: FANCC (FA complementation group C; minus strand). Cytogenetic location: 9q22.32.
Variant type: single nucleotide variant.
Coding change: c.167A>T on transcript NM_000136.3 (MANE Select); coding-DNA position 167, A replaced by T.
Protein change: p.Asp56Val; replaces aspartic acid 56 with valine.
Molecular consequence: missense variant.
Genome position (GRCh38, 1-based): chr9:95,247,515, T>A on the plus strand (A>T on the coding strand, the complement: FANCC is on the minus strand). VCF-style: chr9-95247515-T-A. GRCh37 (hg19) VCF-style: chr9-98009797-T-A.
Other names: c.167A>T, p.Asp56Val (NM_001243743.2, NM_001243744.2); c.167A>T (NM_000136.2); short protein forms D56V.
Identifiers: ClinVar variation 1482427 (VCV001482427.7), dbSNP rs759662786, ClinGen allele CA5137810.